The following is an entry in ClinVar:

ClinVar aggregate classification (germline): Uncertain significance (1 of 4 stars; one submission).

Submission:

GeneDx
Classification: Uncertain significance. Last evaluated: 2024-04-24. Review status: criteria provided, single submitter. Criteria: GeneDx Variant Classification Process June 2021. Collection method: clinical testing. Allele origin: germline. Affected: yes.
Comment: Not observed at significant frequency in large population cohorts (gnomAD); In silico analysis supports that this missense variant has a deleterious effect on protein structure/function; Has not been previously published as pathogenic or benign to our knowledge; Variants in candidate genes are classified as variants of uncertain significance in accordance with ACMG guidelines (PMID: 25741868)

NM_033026.6(PCLO):c.5081A>T (p.Asp1694Val)

Gene: PCLO (piccolo presynaptic cytomatrix protein; minus strand). Cytogenetic location: 7q21.11.
Variant type: single nucleotide variant.
Coding change: c.5081A>T on transcript NM_033026.6 (MANE Select); coding-DNA position 5081, A replaced by T.
Protein change: p.Asp1694Val; replaces aspartic acid 1694 with valine.
Molecular consequence: missense variant.
Genome position (GRCh38, 1-based): chr7:82,955,872, T>A on the plus strand (A>T on the coding strand, the complement: PCLO is on the minus strand). VCF-style: chr7-82955872-T-A. GRCh37 (hg19) VCF-style: chr7-82585188-T-A.
Other names: c.5081A>T, p.Asp1694Val (NM_014510.3); short protein forms D1694V.
Identifiers: ClinVar variation 3903269 (VCV003903269.1).